The following is an entry in ClinVar:

NM_002968.3(SALL1):c.2050C>T (p.Gln684Ter)

Gene: SALL1 (spalt like transcription factor 1; minus strand). Cytogenetic location: 16q12.1.
Variant type: single nucleotide variant.
Coding change: c.2050C>T on transcript NM_002968.3 (MANE Select); coding-DNA position 2050, C replaced by T.
Protein change: p.Gln684Ter; replaces glutamine 684 with a stop codon.
Molecular consequence: nonsense.
Genome position (GRCh38, 1-based): chr16:51,140,172, G>A on the plus strand (C>T on the coding strand, the complement: SALL1 is on the minus strand). VCF-style: chr16-51140172-G-A. GRCh37 (hg19) VCF-style: chr16-51174083-G-A.
Other names: c.1759C>T, p.Gln587Ter (NM_001127892.2); short protein forms Q587*, Q684*.
Identifiers: ClinVar variation 829987 (VCV000829987.6), dbSNP rs1597229404, ClinGen allele CA395886543.

ClinVar aggregate classification (germline): Conflicting classifications of pathogenicity. Review status: criteria provided, conflicting classifications (1 of 4 stars). 4 submissions from 4 submitters: Pathogenic (1); Likely pathogenic (1); Uncertain significance (1). 1 of the submissions does not count toward it. Last evaluated 2024-10-08.

Conditions:
Townes-Brocks syndrome 1 (TBS1). Also called: DEAFNESS, SENSORINEURAL, WITH IMPERFORATE ANUS AND THUMB ANOMALIES; REAR SYNDROME; RENAL-EAR-ANAL-RADIAL SYNDROME; SALL1-Related Townes-Brocks Syndrome. Identifiers: Orphanet 857, MedGen C4551481, MONDO:0054581, OMIM 107480.
SALL1-related disorder. Also called: SALL1-related condition.

gnomAD v4.1: 1 of 1,614,170 alleles (0.000062%); highest among the groups gnomAD compares: Non-Finnish European, 0.000085%; no homozygotes.

Submissions (4):

Victorian Clinical Genetics Services, Murdoch Childrens Research Institute
Classification: Pathogenic for Townes-Brocks syndrome 1. Last evaluated: 2024-10-08. Review status: criteria provided, single submitter. Criteria: ACMG Guidelines, 2015. Collection method: clinical testing. Allele origin: germline. Inheritance: Autosomal dominant inheritance. Affected: yes.
Comment: Based on the classification scheme VCGS_Germline_v1.3.4, this variant is classified as Pathogenic. Following criteria are met: 0102 - Loss of function is a known mechanism of disease in this gene and is associated with Townes-Brocks syndrome (MIM#107480) and Townes-Brocks branchiootorenal-like syndrome (MIM#107480). NMD escape has been demonstrated for a single PTC in the 5' end of exon 2, where dominant negative or gain of function is a suggested mechanism (PMID: 20301618). (I) 0107 - This gene is associated with autosomal dominant disease. (I) 0115 - Variants in this gene are known to have variable expressivity. Pathogenic variants within the 5' end exon 2 hot spot region appear to be associated with a more severe outcome than pathogenic variants towards the 3' end in exon 2 (PMID: 20301618). (I) 0201 - Variant is predicted to cause nonsense-mediated decay (NMD) and loss of protein (premature termination codon is located at least 54 nucleotides upstream of the final exon-exon junction). (SP) 0251 - This variant is heterozygous. (I) 0301 - Variant is absent from gnomAD (both v2 and v3). (SP) 0701 - Other NMD variants comparable to the one identified in this case have very strong previous evidence for pathogenicity (DECIPHER). (SP) 0803 - This variant has limited previous evidence of pathogenicity in unrelated individuals. This variant has been reported as pathogenic in a heterozygous individual with Townes-Brocks syndrome (PMID: 32656166). This variant has also been reported as likely pathogenic and VUS in ClinVar. (SP) 0905 - No published segregation evidence has been identified for this variant. (I) 1007 - No published functional evidence has been identified for this variant. (SP) Legend: (SP) - Supporting pathogenic, (I) - Information, (SB) - Supporting benign

Blueprint Genetics
Classification: Likely pathogenic for SALL1-related disorders. Last evaluated: 2023-02-22. Review status: criteria provided, single submitter. Criteria: ACMG Guidelines, 2015. Collection method: clinical testing. Allele origin: germline. Affected: yes. Observed: 1 variant allele.

Baylor Genetics
Classification: Uncertain significance for Townes-Brocks syndrome 1. Last evaluated: 2018-02-07. Review status: criteria provided, single submitter. Criteria: ACMG Guidelines, 2015. Collection method: clinical testing. Allele origin: paternal. Affected: yes.
Comment: This variant was determined to be of uncertain significance according to ACMG Guidelines, 2015 [PMID:25741868].

Bioscientia Institut fuer Medizinische Diagnostik GmbH, Sonic Healthcare
Classification: Likely pathogenic for Townes-Brocks syndrome 1. Last evaluated: 2019-06-28. Review status: no assertion criteria provided. Collection method: clinical testing. Allele origin: germline. Affected: yes. Not counted in ClinVar's aggregate classification.

Literature cited by the submitters: PubMed 20301618 (cited by Victorian Clinical Genetics Services, Murdoch Childrens Research Institute); PubMed 32656166 (cited by Victorian Clinical Genetics Services, Murdoch Childrens Research Institute).